The following is an entry in ClinVar:

NM_032444.4(SLX4):c.2635_2636insA (p.Trp879Ter)

Gene: SLX4 (SLX4 structure-specific endonuclease subunit; minus strand). Cytogenetic location: 16p13.3.
Variant type: Insertion.
Coding change: c.2635_2636insA on transcript NM_032444.4 (MANE Select); coding-DNA positions 2635 to 2636, A inserted.
Protein change: p.Trp879Ter; replaces tryptophan 879 with a stop codon.
Molecular consequence: nonsense.
Genome position: GRCh38 VCF-style: chr16-3591002-C-CT. GRCh37 (hg19) VCF-style: chr16-3641003-C-CT.
Other names: short protein forms W879*.
Identifiers: ClinVar variation 1454910 (VCV001454910.7), dbSNP rs2151125489, ClinGen allele CA2573152110.

ClinVar aggregate classification (germline): Pathogenic (1 of 4 stars; one submission).

Conditions:
Fanconi anemia (FA). Also called: Fanconi's anemia. Identifiers: Orphanet 84, MedGen C0015625, MeSH D005199, MONDO:0019391.

Submission:

Labcorp Genetics (formerly Invitae), Labcorp
Classification: Pathogenic for Fanconi anemia. Last evaluated: 2025-07-28. Review status: criteria provided, single submitter. Criteria: Invitae Variant Classification Sherloc (09022015). Collection method: clinical testing. Allele origin: germline.
Comment: This sequence change creates a premature translational stop signal (p.Trp879*) in the SLX4 gene. It is expected to result in an absent or disrupted protein product. Loss-of-function variants in SLX4 are known to be pathogenic (PMID: 21240277). This variant is not present in population databases (gnomAD no frequency). This variant has not been reported in the literature in individuals affected with SLX4-related conditions. ClinVar contains an entry for this variant (Variation ID: 1454910). For these reasons, this variant has been classified as Pathogenic.

Literature cited by the submitters: PubMed 21240277.